The following is an entry in ClinVar:

ClinVar aggregate classification (germline): Uncertain significance (1 of 4 stars; one submission).

Conditions:
Anemia, nonspherocytic hemolytic, due to G6PD deficiency (CNSHA1). Also called: Hemolytic anemia due to G6PD deficiency; Class I glucose-6-phosphate dehydrogenase deficiency; Favism, susceptibility to; ANEMIA, CONGENITAL, NONSPHEROCYTIC HEMOLYTIC, 1. Identifiers: Orphanet 466026, MedGen C2720289, MONDO:0010480, OMIM 300908.

Submission:

Labcorp Genetics (formerly Invitae), Labcorp
Classification: Uncertain significance for Anemia, nonspherocytic hemolytic, due to G6PD deficiency. Last evaluated: 2019-05-14. Review status: criteria provided, single submitter. Criteria: Invitae Variant Classification Sherloc (09022015). Collection method: clinical testing. Allele origin: germline.
Comment: This sequence change replaces proline with serine at codon 415 of the G6PD protein (p.Pro415Ser). The proline residue is moderately conserved and there is a moderate physicochemical difference between proline and serine. In summary, the available evidence is currently insufficient to determine the role of this variant in disease. Therefore, it has been classified as a Variant of Uncertain Significance. Algorithms developed to predict the effect of missense changes on protein structure and function are either unavailable or do not agree on the potential impact of this missense change (SIFT: "Tolerated"; PolyPhen-2: "Probably Damaging"; Align-GVGD: "Class C0"). This variant has not been reported in the literature in individuals with G6PD-related conditions. This variant is not present in population databases (ExAC no frequency).

NM_001360016.2(G6PD):c.1243C>T (p.Pro415Ser)

Gene: G6PD (glucose-6-phosphate dehydrogenase; minus strand). Cytogenetic location: Xq28.
Variant type: single nucleotide variant.
Coding change: c.1243C>T on transcript NM_001360016.2 (MANE Select); coding-DNA position 1243, C replaced by T.
Protein change: p.Pro415Ser; replaces proline 415 with serine.
Molecular consequence: missense variant.
Genome position (GRCh38, 1-based): chrX:154,532,611, G>A on the plus strand (C>T on the coding strand, the complement: G6PD is on the minus strand). VCF-style: chrX-154532611-G-A. GRCh37 (hg19) VCF-style: chrX-153760826-G-A.
Other names: c.1333C>T, p.Pro445Ser (NM_000402.4); c.1243C>T, p.Pro415Ser (NM_001042351.3); short protein forms P415S, P445S.
Identifiers: ClinVar variation 650072 (VCV000650072.11), dbSNP rs1603411292, ClinGen allele CA415233901.